The following is an entry in ClinVar:

ClinVar aggregate classification (germline): Pathogenic (1 of 4 stars; one submission).

Conditions:
Familial adenomatous polyposis 4 (FAP4). Also called: MSH3-related attenuated familial adenomatous polyposis. Identifiers: Orphanet 480536, MedGen C4310719, MONDO:0044300, OMIM 617100.

Submission:

Myriad Genetics, Inc.
Classification: Pathogenic for Familial adenomatous polyposis 4. Last evaluated: 2025-04-08. Review status: criteria provided, single submitter. Criteria: Myriad Autosomal Dominant, Autosomal Recessive and X-Linked Classification Criteria (2023). Collection method: clinical testing. Allele origin: unknown.
Comment: This variant is considered pathogenic. This variant creates a frameshift predicted to result in premature protein truncation.

NM_002439.5(MSH3):c.3032del (p.Tyr1011fs)

Gene: MSH3 (mutS homolog 3; plus strand). Cytogenetic location: 5q14.1.
Variant type: Deletion.
Coding change: c.3032del on transcript NM_002439.5 (MANE Select); coding-DNA position 3032, one base deleted (A; older notation c.3032delA).
Protein change: p.Tyr1011fs; shifts the reading frame from tyrosine 1011.
Molecular consequence: frameshift variant.
Genome position (GRCh38, 1-based): chr5:80,864,844, A deleted. VCF-style (leftmost placement, unchanged base first): chr5-80864843-TA-T. GRCh37 (hg19) VCF-style: chr5-80160662-TA-T.
Other names: short protein forms Y1011fs.
Identifiers: ClinVar variation 4071366 (VCV004071366.1).